The following is an entry in ClinVar:

NM_001367561.1(DOCK7):c.2063C>T (p.Pro688Leu)

Gene: DOCK7 (dedicator of cytokinesis 7; minus strand). Cytogenetic location: 1p31.3.
Variant type: single nucleotide variant.
Coding change: c.2063C>T on transcript NM_001367561.1 (MANE Select); coding-DNA position 2063, C replaced by T.
Protein change: p.Pro688Leu; replaces proline 688 with leucine.
Molecular consequence: missense variant.
Genome position (GRCh38, 1-based): chr1:62,577,311, G>A on the plus strand (C>T on the coding strand, the complement: DOCK7 is on the minus strand). VCF-style: chr1-62577311-G-A. GRCh37 (hg19) VCF-style: chr1-63042982-G-A.
Other names: c.2063C>T, p.Pro688Leu (NM_001271999.2, NM_001272000.2, NM_001272001.2 and 2 more transcripts); short protein forms P688L.
Identifiers: ClinVar variation 1977483 (VCV001977483.5), dbSNP rs1438537333, ClinGen allele CA340628975.

ClinVar aggregate classification (germline): Uncertain significance (1 of 4 stars; one submission).

Conditions:
Developmental and epileptic encephalopathy, 23 (DEE23). Also called: Epileptic encephalopathy, early infantile, 23. Identifiers: Orphanet 411986, MedGen C4014492, MONDO:0014371, OMIM 615859.

gnomAD v4.1: 3 of 1,592,132 alleles (0.00019%); highest among the groups gnomAD compares: Admixed American, 0.005%; no homozygotes.

Submission:

Labcorp Genetics (formerly Invitae), Labcorp
Classification: Uncertain significance for Developmental and epileptic encephalopathy, 23. Last evaluated: 2024-12-02. Review status: criteria provided, single submitter. Criteria: Invitae Variant Classification Sherloc (09022015). Collection method: clinical testing. Allele origin: germline.
Comment: This sequence change replaces proline, which is neutral and non-polar, with leucine, which is neutral and non-polar, at codon 688 of the DOCK7 protein (p.Pro688Leu). This variant is present in population databases (no rsID available, gnomAD 0.006%). This variant has not been reported in the literature in individuals affected with DOCK7-related conditions. ClinVar contains an entry for this variant (Variation ID: 1977483). Invitae Evidence Modeling of protein sequence and biophysical properties (such as structural, functional, and spatial information, amino acid conservation, physicochemical variation, residue mobility, and thermodynamic stability) indicates that this missense variant is expected to disrupt DOCK7 protein function with a positive predictive value of 80%. In summary, the available evidence is currently insufficient to determine the role of this variant in disease. Therefore, it has been classified as a Variant of Uncertain Significance.